The following is an entry in ClinVar:

ClinVar aggregate classification (germline): Uncertain significance (1 of 4 stars; one submission).

Conditions:
Developmental and epileptic encephalopathy, 12 (DEE12). Identifiers: MedGen C3150988, MONDO:0013389, OMIM 613722.

Submission:

Labcorp Genetics (formerly Invitae), Labcorp
Classification: Uncertain significance for Developmental and epileptic encephalopathy, 12. Last evaluated: 2017-09-14. Review status: criteria provided, single submitter. Criteria: Invitae Variant Classification Sherloc (09022015). Collection method: clinical testing. Allele origin: germline.
Comment: This variant is a gross duplication of the genomic region encompassing exons 32 of the PLCB1 gene. The 5' boundary is likely confined to intron 31. The 3' end of this event is unknown as it extends beyond the assayed region for this gene and therefore may encompass additional genes. The exact location of this variant in the genome is unknown. This variant has not been reported in the literature in individuals with PLCB1-related disease. Experimental studies and prediction algorithms are not available for this variant, and the functional significance of the duplicated exon is currently unknown. In summary, the available evidence is currently insufficient to determine the role of this variant in disease. Therefore, it has been classified as a Variant of Uncertain Significance.

NC_000020.10:g.(?_8782683)_(8862516_?)dup

Genes: PLCB1 (phospholipase C beta 1; plus strand), RNU105B (RNA, U105B small nucleolar; plus strand), LOC125384577 (Sharpr-MPRA regulatory region 2883; plus strand). Cytogenetic location: 20p12.3.
Variant type: Duplication.
Identifiers: ClinVar variation 538913 (VCV000538913.1).